The following is an entry in ClinVar:

NM_001171613.2(PREPL):c.1827+9T>C

Genes: PREPL (prolyl endopeptidase like; minus strand), SLC3A1 (solute carrier family 3 member 1; plus strand). Cytogenetic location: 2p21.
Variant type: single nucleotide variant.
Coding change: c.1827+9T>C on transcript NM_001171613.2 (MANE Select); 9 bases into the intron after coding-DNA position 1827, T replaced by C.
Molecular consequence: intron variant.
Genome position (GRCh38, 1-based): chr2:44,321,818, A>G on the plus strand (T>C on the coding strand, the complement: PREPL is on the minus strand). VCF-style: chr2-44321818-A-G. GRCh37 (hg19) VCF-style: chr2-44548957-A-G.
Other names: c.1827+9T>C (NM_001171617.1, NM_001374277.1); c.2094+9T>C (NM_001171603.1, NM_001374275.1, NM_001374276.1 and 2 more transcripts); c.1908+9T>C (NM_001042385.2); c.1896+9T>C (NM_001042386.2).
Identifiers: ClinVar variation 723641 (VCV000723641.11), dbSNP rs748870270, ClinGen allele CA1640938.

ClinVar aggregate classification (germline): Likely benign. Review status: criteria provided, multiple submitters, no conflicts (2 of 4 stars). 2 submissions from 2 submitters: Likely benign (2). Last evaluated 2025-10-07.

Conditions:
Myasthenic syndrome, congenital, 22 (CMS22). Also called: PREPL DEFICIENCY. Identifiers: MedGen C4479088, MONDO:0044299, OMIM 616224.
PREPL-related disorder. Also called: PREPL-related condition.

Allele frequency attached by ClinVar (database versions not stated): gnomAD 0.00001; TOPMed 0.00002; ExAC 0.00003; gnomAD exomes 0.00004.
gnomAD v4.1: 42 of 1,613,748 alleles (0.0026%); highest among the groups gnomAD compares: Admixed American, 0.015%; no homozygotes.

Submissions (2):

Labcorp Genetics (formerly Invitae), Labcorp
Classification: Likely benign for Myasthenic syndrome, congenital, 22. Last evaluated: 2025-10-07. Review status: criteria provided, single submitter. Criteria: Invitae Variant Classification Sherloc (09022015). Collection method: clinical testing. Allele origin: germline.

PreventionGenetics, part of Exact Sciences
Classification: Likely benign for PREPL-related condition. Last evaluated: 2025-08-15. Review status: criteria provided, single submitter. Criteria: ACMG Guidelines, 2015. Collection method: clinical testing. Allele origin: germline.
Comment: This variant is classified as likely benign based on ACMG/AMP sequence variant interpretation guidelines (Richards et al. 2015 PMID: 25741868, with internal and published modifications).